The following is an entry in ClinVar:

ClinVar aggregate classification (germline): Uncertain significance (1 of 4 stars; one submission).

Conditions:
Inborn genetic diseases. Identifiers: MedGen C0950123, MeSH D030342.

gnomAD v4.1: 1 of 1,613,498 alleles (0.000062%); highest among the groups gnomAD compares: East Asian, 0.0022%; no homozygotes.

Submission:

Ambry Genetics
Classification: Uncertain significance for Inborn genetic diseases. Last evaluated: 2026-05-18. Review status: criteria provided, single submitter. Criteria: Ambry Variant Classification Scheme 2023. Collection method: clinical testing. Allele origin: germline.
Comment: The c.237+4A>T intronic alteration consists of a A to T substitution nucleotides after coding exon 2 in the NDE1 gene. This variant was not reported in population-based cohorts in the Genome Aggregation Database (gnomAD). Based on insufficient or conflicting evidence, the clinical significance of this alteration remains unclear.

NM_017668.3(NDE1):c.237+4A>T

Gene: NDE1 (nudE neurodevelopment protein 1; plus strand). Cytogenetic location: 16p13.11.
Variant type: single nucleotide variant.
Coding change: c.237+4A>T on transcript NM_017668.3 (MANE Select); 4 bases into the intron after coding-DNA position 237, A replaced by T.
Molecular consequence: intron variant.
Genome position (GRCh38, 1-based): chr16:15,667,443, A>T. VCF-style: chr16-15667443-A-T. GRCh37 (hg19) VCF-style: chr16-15761300-A-T.
Other names: c.237+4A>T (NM_001143979.2).
Identifiers: ClinVar variation 4860775 (VCV004860775.1).